The following is an entry in ClinVar:

NM_002206.3(ITGA7):c.1681G>A (p.Val561Met)

Gene: ITGA7 (integrin subunit alpha 7; minus strand). Cytogenetic location: 12q13.2.
Variant type: single nucleotide variant.
Coding change: c.1681G>A on transcript NM_002206.3 (MANE Select); coding-DNA position 1681, G replaced by A.
Protein change: p.Val561Met; replaces valine 561 with methionine.
Molecular consequence: missense variant.
Genome position (GRCh38, 1-based): chr12:55,696,955, C>T on the plus strand (G>A on the coding strand, the complement: ITGA7 is on the minus strand). VCF-style: chr12-55696955-C-T. GRCh37 (hg19) VCF-style: chr12-56090739-C-T.
Other names: c.1693G>A, p.Val565Met (NM_001144996.2); c.1402G>A, p.Val468Met (NM_001144997.2); c.1354G>A, p.Val452Met (NM_001367993.1); c.337G>A, p.Val113Met (NM_001367994.1); c.1663G>A, p.Val555Met (NM_001374465.1); c.1813G>A, p.Val605Met (NM_001410977.1); c.1675G>A, p.Val559Met (NM_001414029.1); c.1606G>A, p.Val536Met (NM_001414030.1); and 5 more; short protein forms V468M, V561M, V452M, V565M, V113M, V555M, V605M, V500M.
Identifiers: ClinVar variation 309787 (VCV000309787.13), dbSNP rs150089409, ClinGen allele CA6615860.

ClinVar aggregate classification (germline): Uncertain significance. Review status: criteria provided, multiple submitters, no conflicts (2 of 4 stars). 4 submissions from 4 submitters: Uncertain significance (4). Last evaluated 2026-02-02.

Conditions:
Congenital muscular dystrophy due to integrin alpha-7 deficiency. Also called: MYOPATHY, CONGENITAL, DUE TO INTEGRIN ALPHA-7 DEFICIENCY; Congenital muscular dystrophy with integrin alpha-7 deficiency; Muscular dystrophy, congenital, due to ITGA7 deficiency. Identifiers: Orphanet 34520, MedGen C2750786, MONDO:0013177, OMIM 613204.

Allele frequency attached by ClinVar (database versions not stated): TOPMed 0.00019; gnomAD 0.00029; gnomAD exomes 0.00030 and 0.00034; ExAC 0.00031; ESP Exome Variant Server 0.00046.
gnomAD v4.1: 533 of 1,614,054 alleles (0.033%); highest among the groups gnomAD compares: East Asian, 0.12%; 1 homozygote.

Submissions (4):

GeneDx
Classification: Uncertain significance. Last evaluated: 2026-02-02. Review status: criteria provided, single submitter. Criteria: GeneDx Variant Classification Process June 2021. Collection method: clinical testing. Allele origin: germline. Affected: yes.
Comment: Reported as a de novo variant in one individual from a cohort of patients with autism; however, this individual also harbored other variants in genes related to the phenotype (PMID: 35982159); In silico analysis suggests that this missense variant does not alter protein structure/function; This variant is associated with the following publications: (PMID: 35982159)

Revvity Omics, Revvity
Classification: Uncertain significance for Congenital muscular dystrophy due to integrin alpha-7 deficiency. Last evaluated: 2025-04-23. Review status: criteria provided, single submitter. Criteria: ACMG Guidelines, 2015. Collection method: clinical testing. Allele origin: germline.

Labcorp Genetics (formerly Invitae), Labcorp
Classification: Uncertain significance for Congenital muscular dystrophy due to integrin alpha-7 deficiency. Last evaluated: 2023-12-11. Review status: criteria provided, single submitter. Criteria: Invitae Variant Classification Sherloc (09022015). Collection method: clinical testing. Allele origin: germline.
Comment: This sequence change replaces valine, which is neutral and non-polar, with methionine, which is neutral and non-polar, at codon 561 of the ITGA7 protein (p.Val561Met). This variant is present in population databases (rs150089409, gnomAD 0.05%). This variant has not been reported in the literature in individuals affected with ITGA7-related conditions. ClinVar contains an entry for this variant (Variation ID: 309787). Advanced modeling of protein sequence and biophysical properties (such as structural, functional, and spatial information, amino acid conservation, physicochemical variation, residue mobility, and thermodynamic stability) has been performed at Invitae for this missense variant, however the output from this modeling did not meet the statistical confidence thresholds required to predict the impact of this variant on ITGA7 protein function. In summary, the available evidence is currently insufficient to determine the role of this variant in disease. Therefore, it has been classified as a Variant of Uncertain Significance.

Ambry Genetics
Classification: Uncertain significance. Last evaluated: 2021-09-17. Review status: criteria provided, single submitter. Criteria: Ambry Variant Classification Scheme 2023. Collection method: clinical testing. Allele origin: germline.